The following is an entry in ClinVar:

NM_025114.4(CEP290):c.5936C>T (p.Ala1979Val)

Gene: CEP290 (centrosomal protein 290; minus strand). Cytogenetic location: 12q21.32.
Variant type: single nucleotide variant.
Coding change: c.5936C>T on transcript NM_025114.4 (MANE Select); coding-DNA position 5936, C replaced by T.
Protein change: p.Ala1979Val; replaces alanine 1979 with valine.
Molecular consequence: missense variant.
Genome position (GRCh38, 1-based): chr12:88,071,369, G>A on the plus strand (C>T on the coding strand, the complement: CEP290 is on the minus strand). VCF-style: chr12-88071369-G-A. GRCh37 (hg19) VCF-style: chr12-88465146-G-A.
Other names: c.5936C>T (NM_025114.3); short protein forms A1979V.
Identifiers: ClinVar variation 3575379 (VCV003575379.2).

ClinVar aggregate classification (germline): Uncertain significance. Review status: criteria provided, multiple submitters, no conflicts (2 of 4 stars). 2 submissions from 2 submitters: Uncertain significance (2). Last evaluated 2025-09-24.

Conditions:
CEP290-related disorder. Also called: CEP290-related condition; CEP290-related disorders. Identifiers: MedGen CN239314.
Leber congenital amaurosis 10 (LCA10). Identifiers: Orphanet 65, MedGen C1857821, MONDO:0012723, OMIM 611755.
Meckel syndrome, type 4 (MKS4). Also called: MECKEL-GRUBER SYNDROME, TYPE 4. Identifiers: Orphanet 564, MedGen C1970161, MONDO:0012626, OMIM 611134.
Senior-Loken syndrome 6 (SLSN6). Identifiers: Orphanet 3156, MedGen C1857779, MONDO:0012433, OMIM 610189.
Joubert syndrome 5 (JBTS5). Identifiers: Orphanet 2318, MedGen C1857780, MONDO:0012432, OMIM 610188.
Bardet-Biedl syndrome 14 (BBS14). Identifiers: Orphanet 110, MedGen C2673874, MONDO:0014442, OMIM 615991.

gnomAD v4.1: 8 of 1,610,146 alleles (0.0005%); highest among the groups gnomAD compares: Non-Finnish European, 0.00068%; no homozygotes.

Submissions (2):

PreventionGenetics, part of Exact Sciences
Classification: Uncertain significance for CEP290-related condition. Last evaluated: 2025-09-24. Review status: criteria provided, single submitter. Criteria: ACMG Guidelines, 2015. Collection method: clinical testing. Allele origin: germline.
Comment: The CEP290 c.5936C>T variant is predicted to result in the amino acid substitution p.Ala1979Val. To our knowledge, this variant has not been reported in the literature. This variant is reported in 0.0024% of alleles in individuals of European (Non-Finnish) descent in gnomAD. At this time, the clinical significance of this variant is uncertain due to the absence of conclusive functional and genetic evidence.

Fulgent Genetics
Classification: Uncertain significance for Joubert syndrome 5; Senior-Loken syndrome 6; Meckel syndrome, type 4; Leber congenital amaurosis 10; Bardet-Biedl syndrome 14. Last evaluated: 2024-05-27. Review status: criteria provided, single submitter. Criteria: ACMG Guidelines, 2015. Collection method: clinical testing. Allele origin: germline.